The following is an entry in ClinVar:

NM_006767.4(LZTR1):c.1943-5C>T

Gene: LZTR1 (leucine zipper like post translational regulator 1; plus strand). Cytogenetic location: 22q11.21.
Variant type: single nucleotide variant.
Coding change: c.1943-5C>T on transcript NM_006767.4 (MANE Select); 5 bases into the intron before coding-DNA position 1943, C replaced by T.
Molecular consequence: intron variant.
Genome position (GRCh38, 1-based): chr22:20,995,741, C>T. VCF-style: chr22-20995741-C-T. GRCh37 (hg19) VCF-style: chr22-21350030-C-T.
Identifiers: ClinVar variation 2447697 (VCV002447697.2), dbSNP rs781265937, ClinGen allele CA10119165.

ClinVar aggregate classification (germline): Uncertain significance (1 of 4 stars; one submission).

Conditions:
Cardiovascular phenotype. Identifiers: MedGen CN230736.
Hereditary cancer-predisposing syndrome. Also called: Neoplastic Syndromes, Hereditary; Hereditary Cancer Syndrome; Tumor predisposition; Hereditary neoplastic syndrome. Identifiers: Orphanet 140162, MedGen C0027672, MeSH D009386, MONDO:0015356.

Allele frequency attached by ClinVar (database versions not stated): gnomAD exomes below 0.00001; ExAC 0.00001.
gnomAD v4.1: 2 of 1,613,490 alleles (0.00012%); highest among the groups gnomAD compares: South Asian, 0.0011%; no homozygotes.

Submission:

Ambry Genetics
Classification: Uncertain significance for Cardiovascular phenotype; Hereditary cancer-predisposing syndrome. Last evaluated: 2022-11-21. Review status: criteria provided, single submitter. Criteria: Ambry Variant Classification Scheme 2023. Collection method: clinical testing. Allele origin: germline.
Comment: The c.1943-5C>T intronic variant results from a C to T substitution 5 nucleotides upstream from coding exon 17 in the LZTR1 gene. This nucleotide position is not well conserved in available vertebrate species. In silico splice site analysis predicts that this alteration will not have any significant effect on splicing. Since supporting evidence is limited at this time, the clinical significance of this alteration remains unclear.